The following is an entry in ClinVar:

ClinVar aggregate classification (germline): Likely benign. Review status: criteria provided, multiple submitters, no conflicts (2 of 4 stars). 4 submissions from 4 submitters: Likely benign (4). Last evaluated 2025-04-25.

Conditions:
Naxos disease (NXD). Also called: KERATOSIS PALMOPLANTARIS WITH ARRHYTHMOGENIC CARDIOMYOPATHY; CARDIOMYOPATHY, ARRHYTHMOGENIC RIGHT VENTRICULAR, WITH SKIN, HAIR, AND NAIL ABNORMALITIES; PALMOPLANTAR KERATODERMA WITH ARRHYTHMOGENIC RIGHT VENTRICULAR CARDIOMYOPATHY AND WOOLLY HAIR; WOOLLY HAIR, PALMOPLANTAR KERATODERMA, AND CARDIAC ABNORMALITIES; MAL DE NAXOS. Identifiers: Orphanet 34217, MedGen C1832600, MONDO:0011017, OMIM 601214.
Arrhythmogenic right ventricular dysplasia 12. Also called: ARRHYTHMOGENIC RIGHT VENTRICULAR DYSPLASIA, FAMILIAL, 12. Identifiers: MedGen C1969081, MONDO:0012684, OMIM 611528.
Cardiovascular phenotype. Identifiers: MedGen CN230736.

Allele frequency attached by ClinVar (database versions not stated): gnomAD 0.00001; gnomAD exomes 0.00001 and 0.00002; TOPMed 0.00001; ExAC 0.00005.
gnomAD v4.1: 10 of 1,613,230 alleles (0.00062%); highest among the groups gnomAD compares: Non-Finnish European, 0.00076%; no homozygotes.

Submissions (4):

Women's Health and Genetics/Laboratory Corporation of America, LabCorp
Classification: Likely benign. Last evaluated: 2025-04-25. Review status: criteria provided, single submitter. Criteria: LabCorp Variant Classification Summary - May 2015. Collection method: clinical testing. Allele origin: germline.

Labcorp Genetics (formerly Invitae), Labcorp
Classification: Likely benign for Arrhythmogenic right ventricular dysplasia 12; Naxos disease. Last evaluated: 2023-12-13. Review status: criteria provided, single submitter. Criteria: Invitae Variant Classification Sherloc (09022015). Collection method: clinical testing. Allele origin: germline.

Ambry Genetics
Classification: Likely benign for Cardiovascular phenotype. Last evaluated: 2019-06-30. Review status: criteria provided, single submitter. Criteria: Ambry Variant Classification Scheme 2023. Collection method: clinical testing. Allele origin: germline.

GeneDx
Classification: Likely benign. Last evaluated: 2017-01-20. Review status: criteria provided, single submitter. Criteria: GeneDx Variant Classification (06012015). Collection method: clinical testing. Allele origin: germline. Affected: yes.
Comment: This variant is considered likely benign or benign based on one or more of the following criteria: it is a conservative change, it occurs at a poorly conserved position in the protein, it is predicted to be benign by multiple in silico algorithms, and/or has population frequency not consistent with disease.

NM_002230.4(JUP):c.1762C>T (p.Leu588=)

Gene: JUP (junction plakoglobin; minus strand). Cytogenetic location: 17q21.2.
Variant type: single nucleotide variant.
Coding change: c.1762C>T on transcript NM_002230.4 (MANE Select); coding-DNA position 1762, C replaced by T.
Protein change: p.Leu588=; no amino-acid change (leucine 588 retained).
Molecular consequence: synonymous variant.
Genome position (GRCh38, 1-based): chr17:41,758,410, G>A on the plus strand (C>T on the coding strand, the complement: JUP is on the minus strand). VCF-style: chr17-41758410-G-A. GRCh37 (hg19) VCF-style: chr17-39914662-G-A.
Other names: c.1762C>T, p.Leu588= (NM_001352773.2, NM_001352774.2, NM_001352775.2 and 3 more transcripts).
Identifiers: ClinVar variation 506888 (VCV000506888.27), dbSNP rs781900856, ClinGen allele CA8565139.